The following is an entry in ClinVar:

ClinVar aggregate classification (germline): Uncertain significance. Review status: criteria provided, multiple submitters, no conflicts (2 of 4 stars). 5 submissions from 5 submitters: Uncertain significance (5). Last evaluated 2025-07-09.

Conditions:
Wilson disease (WND). Also called: Wilson's disease. Identifiers: Orphanet 905, MedGen C0019202, MONDO:0010200, OMIM 277900. Disease mechanism: loss of function.

Allele frequency attached by ClinVar (database versions not stated): gnomAD exomes below 0.00001; TOPMed 0.00005; gnomAD 0.00004.
gnomAD v4.1: 9 of 1,613,306 alleles (0.00056%); highest among the groups gnomAD compares: African/African-American, 0.012%; no homozygotes.

Submissions (5):

Color Diagnostics, LLC DBA Color Health
Classification: Uncertain significance for Wilson disease. Last evaluated: 2025-07-09. Review status: criteria provided, single submitter. Criteria: ACMG Guidelines, 2015. Collection method: clinical testing. Allele origin: germline.
Comment: This missense variant replaces valine with alanine at codon 171 of the ATP7B protein. Computational prediction suggests that this variant may have deleterious impact on protein structure and function. To our knowledge, functional studies have not been reported for this variant. This variant has not been reported in individuals affected with ATP7B-related disorders in the literature. This variant has been identified in 1/31328 chromosomes in the general population by the Genome Aggregation Database (gnomAD). The available evidence is insufficient to determine the role of this variant in disease conclusively. Therefore, this variant is classified as a Variant of Uncertain Significance.

Dasa
Classification: Uncertain significance. Last evaluated: 2025-02-28. Review status: criteria provided, single submitter. Criteria: DASA Assertion Criteria. Collection method: clinical testing. Allele origin: germline.
Comment: NM_000053.4(ATP7B):c.512T>C (p.Val171Ala) is a missense variant that results in the substitution of valine with alanine. This variant has been observed in affected individuals with ATP7B-related disorders. Also, this variant is rare in population databases. Computational prediction algorithms are consistent with a deleterious effect. The currently available literature and clinical evidence are not sufficient to establish a definitive association between this variant and the reported condition. Therefore, this variant is classified as a variant of uncertain significance.

All of Us Research Program, National Institutes of Health
Classification: Uncertain significance for Wilson disease. Last evaluated: 2024-07-10. Review status: criteria provided, single submitter. Criteria: ACMG Guidelines, 2015. Collection method: clinical testing. Allele origin: germline. Inheritance: Autosomal recessive inheritance. Observed: 1 variant allele, 1 heterozygote.
Comment: This missense variant replaces valine with alanine at codon 171 of the ATP7B protein. Computational prediction suggests that this variant may have deleterious impact on protein structure and function. To our knowledge, functional studies have not been reported for this variant. This variant has not been reported in individuals affected with ATP7B-related disorders in the literature. This variant has been identified in 1/31328 chromosomes in the general population by the Genome Aggregation Database (gnomAD). The available evidence is insufficient to determine the role of this variant in disease conclusively. Therefore, this variant is classified as a Variant of Uncertain Significance.

This study involves interpretation of variants in research participants for the purpose of population health screening. Participant phenotype was not available at the time of variant classification. Additional details can be found in publication PMID: 35346344, PMCID: PMC8962531

Fulgent Genetics
Classification: Uncertain significance for Wilson disease. Last evaluated: 2024-04-16. Review status: criteria provided, single submitter. Criteria: ACMG Guidelines, 2015. Collection method: clinical testing. Allele origin: germline.

Labcorp Genetics (formerly Invitae), Labcorp
Classification: Uncertain significance for Wilson disease. Last evaluated: 2022-01-07. Review status: criteria provided, single submitter. Criteria: Invitae Variant Classification Sherloc (09022015). Collection method: clinical testing. Allele origin: germline.
Comment: This sequence change replaces valine, which is neutral and non-polar, with alanine, which is neutral and non-polar, at codon 171 of the ATP7B protein (p.Val171Ala). This variant is present in population databases (no rsID available, gnomAD 0.01%). This variant has not been reported in the literature in individuals affected with ATP7B-related conditions. Algorithms developed to predict the effect of missense changes on protein structure and function are either unavailable or do not agree on the potential impact of this missense change (SIFT: "Tolerated"; PolyPhen-2: "Probably Damaging"; Align-GVGD: "Class C0"). In summary, the available evidence is currently insufficient to determine the role of this variant in disease. Therefore, it has been classified as a Variant of Uncertain Significance.

NM_000053.4(ATP7B):c.512T>C (p.Val171Ala)

Gene: ATP7B (ATPase copper transporting beta; minus strand). Cytogenetic location: 13q14.3.
Variant type: single nucleotide variant.
Coding change: c.512T>C on transcript NM_000053.4 (MANE Select); coding-DNA position 512, T replaced by C.
Protein change: p.Val171Ala; replaces valine 171 with alanine.
Molecular consequence: missense variant.
Genome position (GRCh38, 1-based): chr13:51,974,708, A>G on the plus strand (T>C on the coding strand, the complement: ATP7B is on the minus strand). VCF-style: chr13-51974708-A-G. GRCh37 (hg19) VCF-style: chr13-52548844-A-G.
Other names: c.512T>C, p.Val171Ala (NM_001005918.3, NM_001243182.2, NM_001330578.2 and 30 more transcripts); c.416T>C, p.Val139Ala (NM_001406517.1, NM_001406518.1, NM_001406530.1 and 4 more transcripts); short protein forms V139A, V171A.
Identifiers: ClinVar variation 2138974 (VCV002138974.6), dbSNP rs936120525, ClinGen allele CA250067502.